The following is an entry in ClinVar:

NM_080425.4(GNAS):c.754_761del (p.Ser252fs)

Gene: GNAS (GNAS complex locus; plus strand). Cytogenetic location: 20q13.32.
Variant type: Deletion.
Coding change: c.754_761del on transcript NM_080425.4 (MANE Plus Clinical); coding-DNA positions 754 to 761, 8 bases deleted (AGCAGCCA; older notation c.754_761delAGCAGCCA).
Protein change: p.Ser252fs; shifts the reading frame from serine 252.
Molecular consequence: frameshift variant. On other transcripts: intron variant (3).
Genome position (GRCh38, 1-based): chr20:58,854,019-58,854,026, AGCAGCCA deleted. VCF-style (leftmost placement, unchanged base first): chr20-58854018-CAGCAGCCA-C. GRCh37 (hg19) VCF-style: chr20-57429073-CAGCAGCCA-C.
Other names: c.567_574del, p.Ala190fs (NM_001077490.3, NM_001309883.1); c.754_761del, p.Ser252fs (NM_001410913.1); c.*42+13133_*42+13140del (NM_016592.5); c.43+13133_43+13140del (NM_001410912.1); c.-39+12144_-39+12151del (NM_001309861.2); short protein forms A190fs, S252fs.
Identifiers: ClinVar variation 976346 (VCV000976346.4), dbSNP rs2086303843, ClinGen allele CA1139666772.

ClinVar aggregate classification (germline): Likely pathogenic. Review status: criteria provided, single submitter (1 of 4 stars). 2 submissions from 1 submitter: Likely pathogenic (2). Last evaluated 2020-08-03.

Conditions:
Pseudohypoparathyroidism (PHP1A). Identifiers: Orphanet 79443, Orphanet 97593, MedGen C0033806, MONDO:0019992, HP:0000852.
Intellectual disability. Also called: Intellectual functioning disability; Intellectual developmental disorder; intellectual disabilities. Identifiers: MedGen C3714756, MeSH D008607, MONDO:0001071, HP:0001249.

Submissions (2):

Institute of Human Genetics, University of Leipzig Medical Center
Classification: Likely pathogenic for Intellectual disability. Last evaluated: 2020-08-03. Review status: criteria provided, single submitter. Criteria: ACMG Guidelines, 2015. Collection method: clinical testing. Allele origin: unknown. Affected: yes.
Comment: Inheritance for this variant was unknown. The variant likely explains the NDD in this individual.

Institute of Human Genetics, University of Leipzig Medical Center
Classification: Likely pathogenic for Pseudohypoparathyroidism type I A. Last evaluated: 2018-09-12. Review status: criteria provided, single submitter. Criteria: ACMG Guidelines, 2015. Collection method: clinical testing. Allele origin: germline. Affected: yes. Observed: 1 variant allele.